The following is an entry in ClinVar:

NM_001378454.1(ALMS1):c.8388A>T (p.Gln2796His)

Gene: ALMS1 (ALMS1 centrosome and basal body associated protein; plus strand). Cytogenetic location: 2p13.1.
Variant type: single nucleotide variant.
Coding change: c.8388A>T on transcript NM_001378454.1 (MANE Select); coding-DNA position 8388, A replaced by T.
Protein change: p.Gln2796His; replaces glutamine 2796 with histidine.
Molecular consequence: missense variant.
Genome position (GRCh38, 1-based): chr2:73,490,347, A>T. VCF-style: chr2-73490347-A-T. GRCh37 (hg19) VCF-style: chr2-73717474-A-T.
Other names: c.8391A>T, p.Gln2797His (NM_015120.4); short protein forms Q2797H, Q2796H.
Identifiers: ClinVar variation 956322 (VCV000956322.13), dbSNP rs770409935, ClinGen allele CA1714461.

ClinVar aggregate classification (germline): Uncertain significance. Review status: criteria provided, single submitter (1 of 4 stars). 2 submissions from 2 submitters: Uncertain significance (1). 1 of the submissions does not count toward it. Last evaluated 2024-09-27.

Conditions:
Alstrom syndrome (ALMS). Identifiers: Orphanet 64, MedGen C0268425, MONDO:0008763, OMIM 203800.

Allele frequency attached by ClinVar (database versions not stated): TOPMed 0.00001; ExAC 0.00003.
gnomAD v4.1: 4 of 1,612,614 alleles (0.00025%); highest among the groups gnomAD compares: Admixed American, 0.0067%; no homozygotes.

Submissions (2):

Labcorp Genetics (formerly Invitae), Labcorp
Classification: Uncertain significance for Alstrom syndrome. Last evaluated: 2024-09-27. Review status: criteria provided, single submitter. Criteria: Invitae Variant Classification Sherloc (09022015). Collection method: clinical testing. Allele origin: germline.
Comment: This sequence change replaces glutamine, which is neutral and polar, with histidine, which is basic and polar, at codon 2797 of the ALMS1 protein (p.Gln2797His). This variant is present in population databases (rs770409935, gnomAD 0.01%). This variant has not been reported in the literature in individuals affected with ALMS1-related conditions. ClinVar contains an entry for this variant (Variation ID: 956322). Experimental studies and prediction algorithms are not available or were not evaluated, and the functional significance of this variant is currently unknown. In summary, the available evidence is currently insufficient to determine the role of this variant in disease. Therefore, it has been classified as a Variant of Uncertain Significance.

Natera, Inc.
Classification: Uncertain significance for Alstrom syndrome. Last evaluated: 2020-11-12. Review status: no assertion criteria provided. Collection method: clinical testing. Allele origin: germline. Not counted in ClinVar's aggregate classification.